The following is an entry in ClinVar:

ClinVar aggregate classification (germline): Uncertain significance. Review status: criteria provided, multiple submitters, no conflicts (2 of 4 stars). 3 submissions from 3 submitters: Uncertain significance (3). Last evaluated 2025-04-09.

Conditions:
Dilated cardiomyopathy 1G (CMD1G). Identifiers: Orphanet 154, MedGen C1858763, MONDO:0011400, OMIM 604145.
Autosomal recessive limb-girdle muscular dystrophy type 2J (LGMDR10). Also called: Limb-girdle muscular dystrophy, type 2J; MUSCULAR DYSTROPHY, LIMB-GIRDLE, AUTOSOMAL RECESSIVE 10. Identifiers: Orphanet 140922, MedGen C1837342, MONDO:0012127, OMIM 608807.

Allele frequency attached by ClinVar (database versions not stated): ExAC 0.00002; gnomAD exomes 0.00002 and 0.00006; gnomAD 0.00003 and 0.00004; TOPMed 0.00005.
gnomAD v4.1: 92 of 1,612,342 alleles (0.0057%); highest among the groups gnomAD compares: Non-Finnish European, 0.0074%; no homozygotes.

Submissions (3):

Women's Health and Genetics/Laboratory Corporation of America, LabCorp
Classification: Uncertain significance. Last evaluated: 2025-04-09. Review status: criteria provided, single submitter. Criteria: LabCorp Variant Classification Summary - May 2015. Collection method: clinical testing. Allele origin: germline.
Comment: Variant summary: TTN c.32585C>G (p.Pro10862Arg) results in a non-conservative amino acid change in the encoded protein sequence. Two of three in-silico tools predict a damaging effect of the variant on protein function. The variant allele was found at a frequency of 2.4e-05 in 247656 control chromosomes. The available data on variant occurrences in the general population are insufficient to allow any conclusion about variant significance. To our knowledge, no occurrence of c.32585C>G in individuals affected with Dilated Cardiomyopathy and no experimental evidence demonstrating its impact on protein function have been reported. ClinVar contains an entry for this variant (Variation ID: 404691). Based on the evidence outlined above, the variant was classified as uncertain significance.

Revvity Omics, Revvity
Classification: Uncertain significance. Last evaluated: 2024-05-16. Review status: criteria provided, single submitter. Criteria: ACMG Guidelines, 2015. Collection method: clinical testing. Allele origin: germline.

Labcorp Genetics (formerly Invitae), Labcorp
Classification: Uncertain significance for Dilated cardiomyopathy 1G; Autosomal recessive limb-girdle muscular dystrophy type 2J. Last evaluated: 2017-12-26. Review status: criteria provided, single submitter. Criteria: Invitae Variant Classification Sherloc (09022015). Collection method: clinical testing. Allele origin: germline.

NM_001267550.2(TTN):c.39887C>G (p.Pro13296Arg)

Gene: TTN (titin; minus strand). Cytogenetic location: 2q31.2.
Variant type: single nucleotide variant.
Coding change: c.39887C>G on transcript NM_001267550.2 (MANE Select); coding-DNA position 39887, C replaced by G.
Protein change: p.Pro13296Arg; replaces proline 13296 with arginine.
Molecular consequence: missense variant. On other transcripts: intron variant (3).
Genome position (GRCh38, 1-based): chr2:178,649,825, G>C on the plus strand (C>G on the coding strand, the complement: TTN is on the minus strand). VCF-style: chr2-178649825-G-C. GRCh37 (hg19) VCF-style: chr2-179514552-G-C.
Other names: c.35366C>G, p.Pro11789Arg (NM_001256850.1); c.32585C>G, p.Pro10862Arg (NM_133378.4); c.13283-7508C>G (NM_003319.4); c.13859-7508C>G (NM_133437.4); c.13658-7508C>G (NM_133432.3); short protein forms P13296R, P10862R, P11789R.
Identifiers: ClinVar variation 404691 (VCV000404691.9), dbSNP rs760464072, ClinGen allele CA1996568.
Genomic context (GRCh38, chr2:178,649,825, plus strand): 5'-GTGTAAAATTGTAGACACCACAAAAATGAAGTATTCATTTTAACATGAGTACCTTTAGGA[G>C]GCGGTGCTTCTGGTTTTTTGATGACAGGAACTTTCTTCTCTGGGATGATCTTCTTGGGCT-3'
Protein context (NP_001254479.2, residues 13286-13306): VPVIKKPEAP[Pro13296Arg]PKEPEMPKKV